The following is an entry in ClinVar:

ClinVar aggregate classification (germline): Uncertain significance (1 of 4 stars; one submission).

Conditions:
Sulfite oxidase deficiency due to molybdenum cofactor deficiency type C. Also called: Molybdenum cofactor deficiency, complementation group C; Molybdenum cofactor deficiency C. Identifiers: Orphanet 308400, Orphanet 833, MedGen C1854990, MONDO:0014212, OMIM 615501.

Submission:

Labcorp Genetics (formerly Invitae), Labcorp
Classification: Uncertain significance for Sulfite oxidase deficiency due to molybdenum cofactor deficiency type C. Last evaluated: 2025-05-07. Review status: criteria provided, single submitter. Criteria: Invitae Variant Classification Sherloc (09022015). Collection method: clinical testing. Allele origin: germline.
Comment: This sequence change replaces glutamine, which is neutral and polar, with proline, which is neutral and non-polar, at codon 44 of the GPHN protein (p.Gln44Pro). This variant is not present in population databases (gnomAD no frequency). This variant has not been reported in the literature in individuals affected with GPHN-related conditions. ClinVar contains an entry for this variant (Variation ID: 3702770). Invitae Evidence Modeling of protein sequence and biophysical properties (such as structural, functional, and spatial information, amino acid conservation, physicochemical variation, residue mobility, and thermodynamic stability) indicates that this missense variant is not expected to disrupt GPHN protein function with a negative predictive value of 80%. In summary, the available evidence is currently insufficient to determine the role of this variant in disease. Therefore, it has been classified as a Variant of Uncertain Significance.

NM_020806.5(GPHN):c.131A>C (p.Gln44Pro)

Gene: GPHN (gephyrin; plus strand). Cytogenetic location: 14q23.3.
Variant type: single nucleotide variant.
Coding change: c.131A>C on transcript NM_020806.5 (MANE Select); coding-DNA position 131, A replaced by C.
Protein change: p.Gln44Pro; replaces glutamine 44 with proline.
Molecular consequence: missense variant.
Genome position (GRCh38, 1-based): chr14:66,681,173, A>C. VCF-style: chr14-66681173-A-C. GRCh37 (hg19) VCF-style: chr14-67147891-A-C.
Other names: c.131A>C, p.Gln44Pro (NM_001024218.2, NM_001377514.1, NM_001377515.1 and 4 more transcripts); short protein forms Q44P.
Identifiers: ClinVar variation 3702770 (VCV003702770.2).